The following is an entry in ClinVar:

ClinVar aggregate classification (germline): Uncertain significance. Review status: criteria provided, multiple submitters, no conflicts (2 of 4 stars). 3 submissions from 3 submitters: Uncertain significance (3). Last evaluated 2025-06-05.

Conditions:
Hereditary cancer-predisposing syndrome. Also called: Hereditary neoplastic syndrome; Neoplastic Syndromes, Hereditary; Hereditary Cancer Syndrome; Tumor predisposition. Identifiers: Orphanet 140162, MedGen C0027672, MeSH D009386, MONDO:0015356.
Tuberous sclerosis 2 (TSC2). Identifiers: Orphanet 805, MedGen C1860707, MONDO:0013199, OMIM 613254.

Allele frequency attached by ClinVar (database versions not stated): gnomAD exomes below 0.00001.
gnomAD v4.1: 1 of 1,609,304 alleles (0.000062%); highest among the groups gnomAD compares: Non-Finnish European, 0.000085%; no homozygotes.

Submissions (3):

GeneDx
Classification: Uncertain significance. Last evaluated: 2025-06-05. Review status: criteria provided, single submitter. Criteria: GeneDx Variant Classification Process June 2021. Collection method: clinical testing. Allele origin: germline. Affected: yes.
Comment: Not observed at significant frequency in large population cohorts (gnomAD); In silico analysis suggests that this missense variant does not alter protein structure/function; Has not been previously published as pathogenic or benign to our knowledge

Ambry Genetics
Classification: Uncertain significance for Hereditary cancer-predisposing syndrome. Last evaluated: 2023-03-17. Review status: criteria provided, single submitter. Criteria: Ambry Variant Classification Scheme 2023. Collection method: clinical testing. Allele origin: germline.
Comment: The p.L1423P variant (also known as c.4268T>C), located in coding exon 33 of the TSC2 gene, results from a T to C substitution at nucleotide position 4268. The leucine at codon 1423 is replaced by proline, an amino acid with similar properties. This amino acid position is conserved. In addition, the in silico prediction for this alteration is inconclusive. Since supporting evidence is limited at this time, the clinical significance of this alteration remains unclear.

Labcorp Genetics (formerly Invitae), Labcorp
Classification: Uncertain significance for Tuberous sclerosis 2. Last evaluated: 2018-06-13. Review status: criteria provided, single submitter. Criteria: Invitae Variant Classification Sherloc (09022015). Collection method: clinical testing. Allele origin: germline.
Comment: In summary, the available evidence is currently insufficient to determine the role of this variant in disease. Therefore, it has been classified as a Variant of Uncertain Significance. Algorithms developed to predict the effect of missense changes on protein structure and function are either unavailable or do not agree on the potential impact of this missense change (SIFT: "Tolerated"; PolyPhen-2: "Probably Damaging"; Align-GVGD: "Class C0"). This variant has not been reported in the literature in individuals with TSC2-related disease. This variant is not present in population databases (ExAC no frequency). This sequence change replaces leucine with proline at codon 1423 of the TSC2 protein (p.Leu1423Pro). The leucine residue is moderately conserved and there is a moderate physicochemical difference between leucine and proline.

NM_000548.5(TSC2):c.4268T>C (p.Leu1423Pro)

Gene: TSC2 (TSC complex subunit 2; plus strand). Cytogenetic location: 16p13.3.
Variant type: single nucleotide variant.
Coding change: c.4268T>C on transcript NM_000548.5 (MANE Select); coding-DNA position 4268, T replaced by C.
Protein change: p.Leu1423Pro; replaces leucine 1423 with proline.
Molecular consequence: missense variant.
Genome position (GRCh38, 1-based): chr16:2,084,490, T>C. VCF-style: chr16-2084490-T-C. GRCh37 (hg19) VCF-style: chr16-2134491-T-C.
Other names: c.4067T>C, p.Leu1356Pro (NM_001077183.3); c.4199T>C, p.Leu1400Pro (NM_001114382.3); c.3959T>C, p.Leu1320Pro (NM_001318827.2); c.3923T>C, p.Leu1308Pro (NM_001318829.2); c.3536T>C, p.Leu1179Pro (NM_001318831.2); c.4100T>C, p.Leu1367Pro (NM_001318832.2); c.4070T>C, p.Leu1357Pro (NM_001363528.2); c.4136T>C, p.Leu1379Pro (NM_001370404.1); and 1 more; short protein forms L1423P, L1380P, L1400P, L1179P, L1308P, L1320P, L1356P, L1367P.
Identifiers: ClinVar variation 573907 (VCV000573907.11), dbSNP rs1567523138, ClinGen allele CA394300644.